The following is an entry in ClinVar:

NM_001286577.2(C2CD3):c.4637A>G (p.Asn1546Ser)

Gene: C2CD3 (C2 domain containing 3 centriole elongation regulator; minus strand). Cytogenetic location: 11q13.4.
Variant type: single nucleotide variant.
Coding change: c.4637A>G on transcript NM_001286577.2 (MANE Select); coding-DNA position 4637, A replaced by G.
Protein change: p.Asn1546Ser; replaces asparagine 1546 with serine.
Molecular consequence: missense variant.
Genome position (GRCh38, 1-based): chr11:74,074,567, T>C on the plus strand (A>G on the coding strand, the complement: C2CD3 is on the minus strand). VCF-style: chr11-74074567-T-C. GRCh37 (hg19) VCF-style: chr11-73785612-T-C.
Other names: c.4637A>G, p.Asn1546Ser (NM_015531.6); c.4637A>G (NM_015531.4); short protein forms N1546S.
Identifiers: ClinVar variation 1986643 (VCV001986643.2), dbSNP rs200851757, ClinGen allele CA6182096.

ClinVar aggregate classification (germline): Uncertain significance. Review status: criteria provided, multiple submitters, no conflicts (2 of 4 stars). 2 submissions from 2 submitters: Uncertain significance (2). Last evaluated 2025-01-08.

Conditions:
Inborn genetic diseases. Identifiers: MedGen C0950123, MeSH D030342.

Allele frequency attached by ClinVar (database versions not stated): ExAC 0.00002; gnomAD exomes 0.00002; gnomAD 0.00005; TOPMed 0.00006; 1000 Genomes Project 30x 0.00016; 1000 Genomes Project 0.00020.
gnomAD v4.1: 36 of 1,613,684 alleles (0.0022%); highest among the groups gnomAD compares: African/African-American, 0.008%; no homozygotes.

Submissions (2):

Ambry Genetics
Classification: Uncertain significance for Inborn genetic diseases. Last evaluated: 2025-01-08. Review status: criteria provided, single submitter. Criteria: Ambry Variant Classification Scheme 2023. Collection method: clinical testing. Allele origin: germline.

Labcorp Genetics (formerly Invitae), Labcorp
Classification: Uncertain significance. Last evaluated: 2022-10-03. Review status: criteria provided, single submitter. Criteria: Invitae Variant Classification Sherloc (09022015). Collection method: clinical testing. Allele origin: germline.
Comment: This sequence change replaces asparagine, which is neutral and polar, with serine, which is neutral and polar, at codon 1546 of the C2CD3 protein (p.Asn1546Ser). This variant is present in population databases (rs200851757, gnomAD 0.01%). This variant has not been reported in the literature in individuals affected with C2CD3-related conditions. Advanced modeling of protein sequence and biophysical properties (such as structural, functional, and spatial information, amino acid conservation, physicochemical variation, residue mobility, and thermodynamic stability) performed at Invitae indicates that this missense variant is not expected to disrupt C2CD3 protein function. In summary, the available evidence is currently insufficient to determine the role of this variant in disease. Therefore, it has been classified as a Variant of Uncertain Significance.